The following is an entry in ClinVar:

NM_033026.6(PCLO):c.4015dup (p.Thr1339fs)

Gene: PCLO (piccolo presynaptic cytomatrix protein; minus strand). Cytogenetic location: 7q21.11.
Variant type: Duplication.
Coding change: c.4015dup on transcript NM_033026.6 (MANE Select); coding-DNA position 4015, one base duplicated (A; older notation c.4015dupA).
Protein change: p.Thr1339fs; shifts the reading frame from threonine 1339.
Molecular consequence: frameshift variant.
Genome position (GRCh38, 1-based): chr7:82,965,773, T duplicated on the plus strand (A on the coding strand, the reverse complement: PCLO is on the minus strand); the first of 6 consecutive T bases (chr7:82,965,773-82,965,778); duplicating any one gives the same sequence. VCF-style (leftmost placement, unchanged base first): chr7-82965772-G-GT. GRCh37 (hg19) VCF-style: chr7-82595088-G-GT.
Other names: c.4015dup, p.Thr1339fs (NM_014510.3); short protein forms T1339fs.
Identifiers: ClinVar variation 4988950 (VCV004988950.1).

ClinVar aggregate classification (germline): Uncertain significance (1 of 4 stars; one submission).

Conditions:
PCLO-related disorder. Also called: PCLO-related condition.

Submission:

PreventionGenetics, part of Exact Sciences
Classification: Uncertain significance for PCLO-related condition. Last evaluated: 2025-07-18. Review status: criteria provided, single submitter. Criteria: ACMG Guidelines, 2015. Collection method: clinical testing. Allele origin: germline.
Comment: The PCLO c.4015dupA variant is predicted to result in a frameshift and premature protein termination (p.Thr1339Asnfs*6). To our knowledge, this variant has not been reported in the literature or in a large population database (gnomAD), indicating this variant is rare. Although we suspect that this variant may be pathogenic, at this time, the clinical significance of this variant is uncertain due to the absence of conclusive functional and genetic evidence.